The following is an entry in ClinVar:

ClinVar aggregate classification (germline): Conflicting classifications of pathogenicity. Review status: criteria provided, conflicting classifications (1 of 4 stars). 3 submissions from 3 submitters: Likely pathogenic (1); Uncertain significance (2). Last evaluated 2022-07-19.

Conditions:
Argininosuccinate lyase deficiency. Also called: ARGININOSUCCINIC ACID LYASE DEFICIENCY; ASL DEFICIENCY; Argininosuccinic aciduria. Identifiers: Orphanet 23, MedGen C0268547, MONDO:0008815, OMIM 207900, HP:0025630.

gnomAD v4.1: 2 of 1,606,092 alleles (0.00012%); highest among the groups gnomAD compares: Non-Finnish European, 0.000085%; no homozygotes.

Submissions (3):

Labcorp Genetics (formerly Invitae), Labcorp
Classification: Uncertain significance for Argininosuccinate lyase deficiency. Last evaluated: 2022-07-19. Review status: criteria provided, single submitter. Criteria: Invitae Variant Classification Sherloc (09022015). Collection method: clinical testing. Allele origin: germline.
Comment: This sequence change replaces alanine, which is neutral and non-polar, with glycine, which is neutral and non-polar, at codon 177 of the ASL protein (p.Ala177Gly). This variant is not present in population databases (gnomAD no frequency). This variant has not been reported in the literature in individuals affected with ASL-related conditions. ClinVar contains an entry for this variant (Variation ID: 1195916). Advanced modeling of protein sequence and biophysical properties (such as structural, functional, and spatial information, amino acid conservation, physicochemical variation, residue mobility, and thermodynamic stability) performed at Invitae indicates that this missense variant is expected to disrupt ASL protein function. In summary, the available evidence is currently insufficient to determine the role of this variant in disease. Therefore, it has been classified as a Variant of Uncertain Significance.

Genome-Nilou Lab
Classification: Uncertain significance for Argininosuccinate lyase deficiency. Last evaluated: 2021-07-14. Review status: criteria provided, single submitter. Criteria: ACMG Guidelines, 2015. Collection method: clinical testing. Allele origin: germline. Affected: no.

Kariminejad - Najmabadi Pathology & Genetics Center
Classification: Likely pathogenic for Argininosuccinate lyase deficiency. Review status: criteria provided, single submitter. Criteria: ACMG Guidelines, 2015. Collection method: clinical testing. Allele origin: germline. Affected: no.

NM_000048.4(ASL):c.530C>G (p.Ala177Gly)

Gene: ASL (argininosuccinate lyase; plus strand). Cytogenetic location: 7q11.21.
Variant type: single nucleotide variant.
Coding change: c.530C>G on transcript NM_000048.4 (MANE Select); coding-DNA position 530, C replaced by G.
Protein change: p.Ala177Gly; replaces alanine 177 with glycine.
Molecular consequence: missense variant. On other transcripts: intron variant (1).
Genome position (GRCh38, 1-based): chr7:66,086,749, C>G. VCF-style: chr7-66086749-C-G. GRCh37 (hg19) VCF-style: chr7-65551736-C-G.
Other names: c.530C>G, p.Ala177Gly (NM_001024943.2, NM_001024944.2); c.524+87C>G (NM_001024946.2); short protein forms A177G.
Identifiers: ClinVar variation 1195916 (VCV001195916.6), dbSNP rs2115725413, ClinGen allele CA367642388.